The following is an entry in ClinVar:

NM_000465.4(BARD1):c.1190C>A (p.Ser397Tyr)

Gene: BARD1 (BRCA1 associated RING domain 1; minus strand). Cytogenetic location: 2q35.
Variant type: single nucleotide variant.
Coding change: c.1190C>A on transcript NM_000465.4 (MANE Select); coding-DNA position 1190, C replaced by A.
Protein change: p.Ser397Tyr; replaces serine 397 with tyrosine.
Molecular consequence: missense variant. On other transcripts: non-coding transcript variant (2), intron variant (3).
Genome position (GRCh38, 1-based): chr2:214,780,684, G>T on the plus strand (C>A on the coding strand, the complement: BARD1 is on the minus strand). VCF-style: chr2-214780684-G-T. GRCh37 (hg19) VCF-style: chr2-215645408-G-T.
Other names: c.1133C>A, p.Ser378Tyr (NM_001282543.2); c.159-28129C>A (NM_001282548.2); c.215+16377C>A (NM_001282545.2); c.364+11613C>A (NM_001282549.2); short protein forms S397Y, S378Y.
Identifiers: ClinVar variation 481403 (VCV000481403.21), dbSNP rs375078644, ClinGen allele CA2090325.

ClinVar aggregate classification (germline): Uncertain significance. Review status: criteria provided, multiple submitters, no conflicts (2 of 4 stars). 3 submissions from 3 submitters: Uncertain significance (3). Last evaluated 2024-10-27.

Conditions:
Hereditary cancer-predisposing syndrome. Also called: Hereditary Cancer Syndrome; Neoplastic Syndromes, Hereditary; Tumor predisposition; Hereditary neoplastic syndrome. Identifiers: Orphanet 140162, MedGen C0027672, MeSH D009386, MONDO:0015356.
Familial cancer of breast. Also called: BREAST CANCER, FAMILIAL; Hereditary breast cancer; hereditary breast carcinoma. Identifiers: Orphanet 227535, MedGen C0346153, MONDO:0016419, OMIM 114480. Disease mechanism: loss of function.

Allele frequency attached by ClinVar (database versions not stated): gnomAD exomes below 0.00001; ExAC 0.00001; gnomAD 0.00001; TOPMed 0.00002; ESP Exome Variant Server 0.00008.

Submissions (3):

Labcorp Genetics (formerly Invitae), Labcorp
Classification: Uncertain significance for Familial cancer of breast. Last evaluated: 2024-10-27. Review status: criteria provided, single submitter. Criteria: Invitae Variant Classification Sherloc (09022015). Collection method: clinical testing. Allele origin: germline.
Comment: This sequence change replaces serine, which is neutral and polar, with tyrosine, which is neutral and polar, at codon 397 of the BARD1 protein (p.Ser397Tyr). This variant is present in population databases (rs375078644, gnomAD 0.007%). This variant has not been reported in the literature in individuals affected with BARD1-related conditions. ClinVar contains an entry for this variant (Variation ID: 481403). An algorithm developed to predict the effect of missense changes on protein structure and function (PolyPhen-2) suggests that this variant is likely to be tolerated. In summary, the available evidence is currently insufficient to determine the role of this variant in disease. Therefore, it has been classified as a Variant of Uncertain Significance.

Color Diagnostics, LLC DBA Color Health
Classification: Uncertain significance for Hereditary cancer-predisposing syndrome. Last evaluated: 2023-12-05. Review status: criteria provided, single submitter. Criteria: ACMG Guidelines, 2015. Collection method: clinical testing. Allele origin: germline.
Comment: This missense variant replaces serine with tyrosine at codon 397 of the BARD1 protein. Computational prediction suggests that this variant may not impact protein structure and function (internally defined REVEL score threshold <= 0.5, PMID: 27666373). To our knowledge, functional studies have not been reported for this variant. This variant has not been reported in individuals affected with BARD1-related disorders in the literature. This variant has been identified in 1/251066 chromosomes in the general population by the Genome Aggregation Database (gnomAD). The available evidence is insufficient to determine the role of this variant in disease conclusively. Therefore, this variant is classified as a Variant of Uncertain Significance.

Ambry Genetics
Classification: Uncertain significance for Hereditary cancer-predisposing syndrome. Last evaluated: 2023-05-15. Review status: criteria provided, single submitter. Criteria: Ambry Variant Classification Scheme 2023. Collection method: clinical testing. Allele origin: germline.
Comment: The p.S397Y variant (also known as c.1190C>A), located in coding exon 4 of the BARD1 gene, results from a C to A substitution at nucleotide position 1190. The serine at codon 397 is replaced by tyrosine, an amino acid with dissimilar properties. This amino acid position is well conserved in available vertebrate species. In addition, the in silico prediction for this alteration is inconclusive. Since supporting evidence is limited at this time, the clinical significance of this alteration remains unclear.